The following is an entry in ClinVar:

ClinVar aggregate classification (germline): Uncertain significance (1 of 4 stars; one submission).

gnomAD v4.1: 1 of 1,612,102 alleles (0.000062%); highest among the groups gnomAD compares: Admixed American, 0.0017%; no homozygotes.

Submission:

Ambry Genetics
Classification: Uncertain significance. Last evaluated: 2025-06-10. Review status: criteria provided, single submitter. Criteria: Ambry Variant Classification Scheme 2023. Collection method: clinical testing. Allele origin: germline.
Comment: The p.S334C variant (also known as c.1000A>T), located in coding exon 5 of the PALLD gene, results from an A to T substitution at nucleotide position 1000. The serine at codon 334 is replaced by cysteine, an amino acid with dissimilar properties. This amino acid position is conserved. In addition, the in silico prediction for this alteration is inconclusive. Based on the available evidence, the clinical significance of this variant remains unclear.

NM_001166108.2(PALLD):c.2512A>T (p.Ser838Cys)

Genes: CBR4 (carbonyl reductase 4; minus strand), PALLD (palladin, cytoskeletal associated protein; plus strand). Cytogenetic location: 4q32.3.
Variant type: single nucleotide variant.
Coding change: c.2512A>T on transcript NM_001166108.2 (MANE Select); coding-DNA position 2512, A replaced by T.
Protein change: p.Ser838Cys; replaces serine 838 with cysteine.
Molecular consequence: missense variant.
Genome position (GRCh38, 1-based): chr4:168,903,796, A>T. VCF-style: chr4-168903796-A-T. GRCh37 (hg19) VCF-style: chr4-169824947-A-T.
Other names: c.1315A>T, p.Ser439Cys (NM_001166109.2); c.1000A>T, p.Ser334Cys (NM_001166110.2); c.340A>T, p.Ser114Cys (NM_001367567.1, NM_001367569.1); c.391A>T, p.Ser131Cys (NM_001367568.1, NM_001367570.1); c.2461A>T, p.Ser821Cys (NM_016081.4); short protein forms S334C, S439C, S821C, S131C, S114C, S838C.
Identifiers: ClinVar variation 3927576 (VCV003927576.1).